The following is an entry in ClinVar:

NM_016816.4(OAS1):c.455C>A (p.Ala152Asp)

Gene: OAS1 (2'-5'-oligoadenylate synthetase 1; plus strand). Cytogenetic location: 12q24.13.
Variant type: single nucleotide variant.
Coding change: c.455C>A on transcript NM_016816.4 (MANE Select); coding-DNA position 455, C replaced by A.
Protein change: p.Ala152Asp; replaces alanine 152 with aspartic acid.
Molecular consequence: missense variant. On other transcripts: non-coding transcript variant (9), intron variant (4).
Genome position (GRCh38, 1-based): chr12:112,908,810, C>A. VCF-style: chr12-112908810-C-A. GRCh37 (hg19) VCF-style: chr12-113346615-C-A.
Other names: c.180+1591C>A (NM_001406030.1, NM_001406029.1, NM_001406027.1 and 1 more transcripts); c.455C>A, p.Ala152Asp (NM_001032409.3, NM_001320151.2, NM_001406020.1 and 7 more transcripts); short protein forms A152D.
Identifiers: ClinVar variation 2978314 (VCV002978314.3), dbSNP rs943909898, ClinGen allele CA243746973.

ClinVar aggregate classification (germline): Uncertain significance (1 of 4 stars; one submission).

Allele frequency attached by ClinVar (database versions not stated): gnomAD exomes below 0.00001; gnomAD 0.00002; TOPMed 0.00002.
gnomAD v4.1: 5 of 1,592,848 alleles (0.00031%); highest among the groups gnomAD compares: African/African-American, 0.0067%; no homozygotes.

Submission:

Labcorp Genetics (formerly Invitae), Labcorp
Classification: Uncertain significance. Last evaluated: 2025-07-31. Review status: criteria provided, single submitter. Criteria: Invitae Variant Classification Sherloc (09022015). Collection method: clinical testing. Allele origin: germline.
Comment: This sequence change replaces alanine, which is neutral and non-polar, with aspartic acid, which is acidic and polar, at codon 152 of the OAS1 protein (p.Ala152Asp). This variant is present in population databases (no rsID available, gnomAD 0.01%). This variant has not been reported in the literature in individuals affected with OAS1-related conditions. ClinVar contains an entry for this variant (Variation ID: 2978314). An algorithm developed to predict the effect of missense changes on protein structure and function (PolyPhen-2) suggests that this variant is likely to be disruptive. In summary, the available evidence is currently insufficient to determine the role of this variant in disease. Therefore, it has been classified as a Variant of Uncertain Significance.